The following is an entry in ClinVar:

ClinVar aggregate classification (germline): Likely benign (1 of 4 stars; one submission).

Allele frequency attached by ClinVar (database versions not stated): gnomAD 0.00004.
gnomAD v4.1: 42 of 1,540,916 alleles (0.0027%); highest among the groups gnomAD compares: Admixed American, 0.01%; no homozygotes.

Submission:

CeGaT Center for Human Genetics Tuebingen
Classification: Likely benign. Last evaluated: 2023-03-01. Review status: criteria provided, single submitter. Criteria: CeGaT Center For Human Genetics Tuebingen Variant Classification Criteria Version 2. Collection method: clinical testing. Allele origin: germline. Affected: yes. Observed: 1 variant allele.
Comment: ANO6: BP4, BP7

NM_001142679.2(ANO6):c.2595A>T (p.Pro865=)

Gene: ANO6 (anoctamin 6; plus strand). Cytogenetic location: 12q12.
Variant type: single nucleotide variant.
Coding change: c.2595A>T on transcript NM_001142679.2; coding-DNA position 2595, A replaced by T.
Protein change: p.Pro865=; no amino-acid change (proline 865 retained).
Molecular consequence: synonymous variant.
Genome position (GRCh38, 1-based): chr12:45,439,743, A>T. VCF-style: chr12-45439743-A-T. GRCh37 (hg19) VCF-style: chr12-45833526-A-T.
Identifiers: ClinVar variation 2642906 (VCV002642906.22), dbSNP rs912784485, ClinGen allele CA236935754.